The following is an entry in ClinVar:

ClinVar aggregate classification (germline): Likely pathogenic (1 of 4 stars; one submission).

Conditions:
Wiedemann-Steiner syndrome (WDSTS). Also called: Growth deficiency and mental retardation with facial dysmorphism. Identifiers: Orphanet 319182, MedGen C1854630, MONDO:0011518, OMIM 605130.

Submission:

Illumina Laboratory Services, Illumina
Classification: Likely pathogenic for Wiedemann-Steiner syndrome. Last evaluated: 2023-04-19. Review status: criteria provided, single submitter. Criteria: ICSLVariantClassificationCriteria RUGD 01 April 2020. Collection method: clinical testing. Allele origin: unknown.
Comment: The KMT2A c.9684del (p.Leu3229TyrfsTer27) variant causes a shift in the protein reading frame that is predicted to result in premature termination of the protein. Loss of normal protein function through either protein truncation or nonsense-mediated mRNA decay is expected. To our knowledge, this variant has not been reported in the peer-reviewed literature. This variant is not observed in version 2.1.1 or version 3.1.2 of the Genome Aggregation Database. Based on the available evidence, the c.9684del (p.Leu3229TyrfsTer27) variant is classified as likely pathogenic for Wiedemann-Steiner syndrome.

NM_001197104.2(KMT2A):c.9684del (p.Leu3229fs)

Gene: KMT2A (lysine methyltransferase 2A; plus strand). Cytogenetic location: 11q23.3.
Variant type: Deletion.
Coding change: c.9684del on transcript NM_001197104.2 (MANE Select); coding-DNA position 9684, one base deleted (T; older notation c.9684delT).
Protein change: p.Leu3229fs; shifts the reading frame from leucine 3229.
Molecular consequence: frameshift variant.
Genome position (GRCh38, 1-based): chr11:118,505,576, T deleted. VCF-style (leftmost placement, unchanged base first): chr11-118505575-GT-G. GRCh37 (hg19) VCF-style: chr11-118376290-GT-G.
Other names: c.9774del, p.Leu3259fs (NM_001412597.1); c.9675del, p.Leu3226fs (NM_005933.4); short protein forms L3226fs, L3229fs, L3259fs.
Identifiers: ClinVar variation 2573013 (VCV002573013.1), dbSNP rs2497021821, ClinGen allele CA2580615089.